The following is an entry in ClinVar:

NM_000088.4(COL1A1):c.1567C>G (p.Pro523Ala)

Gene: COL1A1 (collagen type I alpha 1 chain; minus strand). Cytogenetic location: 17q21.33.
Variant type: single nucleotide variant.
Coding change: c.1567C>G on transcript NM_000088.4 (MANE Select); coding-DNA position 1567, C replaced by G.
Protein change: p.Pro523Ala; replaces proline 523 with alanine.
Molecular consequence: missense variant.
Genome position (GRCh38, 1-based): chr17:50,194,396, G>C on the plus strand (C>G on the coding strand, the complement: COL1A1 is on the minus strand). VCF-style: chr17-50194396-G-C. GRCh37 (hg19) VCF-style: chr17-48271757-G-C.
Other names: short protein forms P523A.
Identifiers: ClinVar variation 1310254 (VCV001310254.2), dbSNP rs764315746, ClinGen allele CA400216641.

ClinVar aggregate classification (germline): Uncertain significance (1 of 4 stars; one submission).

Submission:

GeneDx
Classification: Uncertain significance. Last evaluated: 2019-11-14. Review status: criteria provided, single submitter. Criteria: GeneDx Variant Classification Process June 2021. Collection method: clinical testing. Allele origin: germline. Affected: yes.
Comment: Has not been previously published as pathogenic or benign to our knowledge; Not observed in large population cohorts (Lek et al., 2016); In silico analysis, which includes protein predictors and evolutionary conservation, supports that this variant does not alter protein structure/function; Occurs in the triple helical domain at the Y position in the canonical Gly-X-Y repeat; although this variant may have an effect on normal protein folding and function, missense substitution at the Y position is not a common mechanism of disease (Stenson et al., 2014)